The following is an entry in ClinVar:

ClinVar aggregate classification (germline): Likely pathogenic (1 of 4 stars; one submission).

gnomAD v4.1: 2 of 1,614,216 alleles (0.00012%); highest among the groups gnomAD compares: Non-Finnish European, 0.00017%; no homozygotes.

Submission:

Dasa
Classification: Likely pathogenic. Last evaluated: 2025-04-30. Review status: criteria provided, single submitter. Criteria: DASA Assertion Criteria. Collection method: clinical testing. Allele origin: germline.
Comment: NM_015693.4(INTU):c.616G>T (p.Glu206*) is a nonsense variant in INTU predicted to introduce a premature termination codon and is predicted to result in an absent or altered protein product. Loss of function is an established disease mechanism for INTU-associated disorders. Also, this variant is rare in population databases. Based on the currently available evidence, this variant is classified as likely pathogenic.

NM_015693.4(INTU):c.616G>T (p.Glu206Ter)

Gene: INTU (inturned planar cell polarity protein; plus strand). Cytogenetic location: 4q28.1.
Variant type: single nucleotide variant.
Coding change: c.616G>T on transcript NM_015693.4 (MANE Select); coding-DNA position 616, G replaced by T.
Protein change: p.Glu206Ter; replaces glutamic acid 206 with a stop codon.
Molecular consequence: nonsense.
Genome position (GRCh38, 1-based): chr4:127,643,990, G>T. VCF-style: chr4-127643990-G-T. GRCh37 (hg19) VCF-style: chr4-128565145-G-T.
Other names: short protein forms E206*.
Identifiers: ClinVar variation 4880683 (VCV004880683.2).
Genomic context (GRCh38, chr4:127,643,990, plus strand): 5'-GTTGGAATTATTCATCAGACCAAGTGGAGCTGGAGAAGAACCGGAAAGCAGGGTGATGGA[G>T]AGAGGCTTGTGGTTCATGGCCTGCTGCCAGGGGGATCTGCTATGAAGAGCGGTCAGGTAC-3'